The following is an entry in ClinVar:

ClinVar aggregate classification (germline): Uncertain significance (1 of 4 stars; one submission).

Conditions:
Emery-Dreifuss muscular dystrophy 4, autosomal dominant (EDMD4). Also called: EMERY-DREIFUSS MUSCULAR DYSTROPHY 4 WITH VARIABLE FEATURES. Identifiers: Orphanet 261, MedGen C2751807, MONDO:0013071, OMIM 612998.
Autosomal recessive ataxia, Beauce type. Also called: Spinocerebellar ataxia, autosomal recessive 8; ATAXIA, RECESSIVE, OF BEAUCE; SYNE1 Deficiency; SYNE1-Related Autosomal Recessive Cerebellar Ataxia. Identifiers: Orphanet 88644, MedGen C1853116, MONDO:0012549, OMIM 610743.

gnomAD v4.1: 9 of 1,614,158 alleles (0.00056%); highest among the groups gnomAD compares: South Asian, 0.0088%; no homozygotes.

Submission:

Labcorp Genetics (formerly Invitae), Labcorp
Classification: Uncertain significance for Emery-Dreifuss muscular dystrophy 4, autosomal dominant; Autosomal recessive ataxia, Beauce type. Last evaluated: 2020-07-12. Review status: criteria provided, single submitter. Criteria: Invitae Variant Classification Sherloc (09022015). Collection method: clinical testing. Allele origin: germline.
Comment: In summary, the available evidence is currently insufficient to determine the role of this variant in disease. Therefore, it has been classified as a Variant of Uncertain Significance. Algorithms developed to predict the effect of missense changes on protein structure and function are either unavailable or do not agree on the potential impact of this missense change (SIFT: "Deleterious"; PolyPhen-2: "Benign"; Align-GVGD: "Class C0"). This variant has not been reported in the literature in individuals with SYNE1-related conditions. This variant is not present in population databases (ExAC no frequency). This sequence change replaces isoleucine with leucine at codon 227 of the SYNE1 protein (p.Ile227Leu). The isoleucine residue is moderately conserved and there is a small physicochemical difference between isoleucine and leucine.

NM_182961.4(SYNE1):c.658A>C (p.Ile220Leu)

Gene: SYNE1 (spectrin repeat containing nuclear envelope protein 1; minus strand). Cytogenetic location: 6q25.2.
Variant type: single nucleotide variant.
Coding change: c.658A>C on transcript NM_182961.4 (MANE Select); coding-DNA position 658, A replaced by C.
Protein change: p.Ile220Leu; replaces isoleucine 220 with leucine.
Molecular consequence: missense variant.
Genome position (GRCh38, 1-based): chr6:152,505,321, T>G on the plus strand (A>C on the coding strand, the complement: SYNE1 is on the minus strand). VCF-style: chr6-152505321-T-G. GRCh37 (hg19) VCF-style: chr6-152826456-T-G.
Other names: c.679A>C, p.Ile227Leu (NM_033071.5); short protein forms I220L, I227L.
Identifiers: ClinVar variation 1056869 (VCV001056869.9), dbSNP rs146053885, ClinGen allele CA366148902.
Genomic context (GRCh38, chr6:152,505,321, plus strand): 5'-CCAAATTTTCTCGGTTGGATCTGCCTTTCACTGTCTCCAAGTCCACCAATTCCGGTCGAA[T>G]GGCATGAATAACTGAATGAAAGGCAACCCCGCTTCTCCAACTCTTCCCAAAATCTTTTAC-3'
Protein context (NP_892006.3, residues 210-230): GVAFHSVIHA[Ile220Leu]RPELVDLETV